The following is an entry in ClinVar:

ClinVar aggregate classification (germline): Uncertain significance (1 of 4 stars; one submission).

Submission:

GeneDx
Classification: Uncertain significance. Last evaluated: 2026-03-25. Review status: criteria provided, single submitter. Criteria: GeneDx Variant Classification Process June 2021. Collection method: clinical testing. Allele origin: germline.
Comment: Identified in a patient with dilated cardiomyopathy (DCM) in the published literature (PMID: 34008892); Not observed at significant frequency in large population cohorts (gnomAD); In silico analysis supports that this missense variant has a deleterious effect on protein structure/function; This variant is associated with the following publications: (PMID: 34008892)

NM_001018005.2(TPM1):c.434A>G (p.Glu145Gly)

Gene: TPM1 (tropomyosin 1; plus strand). Cytogenetic location: 15q22.2.
Variant type: single nucleotide variant.
Coding change: c.434A>G on transcript NM_001018005.2 (MANE Select); coding-DNA position 434, A replaced by G.
Protein change: p.Glu145Gly; replaces glutamic acid 145 with glycine.
Molecular consequence: missense variant.
Genome position (GRCh38, 1-based): chr15:63,059,622, A>G. VCF-style: chr15-63059622-A-G. GRCh37 (hg19) VCF-style: chr15-63351821-A-G.
Other names: c.434A>G, p.Glu145Gly (NM_000366.6, NM_001018004.2, NM_001018006.2 and 6 more transcripts); c.326A>G, p.Glu109Gly (NM_001018008.2, NM_001301289.2, NM_001330344.2 and 5 more transcripts); c.560A>G, p.Glu187Gly (NM_001365778.1); short protein forms E109G, E145G, E187G.
Identifiers: ClinVar variation 1699559 (VCV001699559.3), dbSNP rs2140937995, ClinGen allele CA392722214.
Genomic context (GRCh38, chr15:63,059,622, plus strand): 5'-GAGGCATGAAAGTCATTGAGAGTCGAGCCCAAAAAGATGAAGAAAAAATGGAAATTCAGG[A>G]GATCCAACTGAAAGAGGCCAAGCACATTGCTGAAGATGCCGACCGCAAATATGAAGAGGT-3'
Protein context (NP_001018005.1, residues 135-155): QKDEEKMEIQ[Glu145Gly]IQLKEAKHIA